The following is an entry in ClinVar:

NM_001365792.1(DAB1):c.318T>G (p.His106Gln)

Gene: DAB1 (DAB adaptor protein 1; minus strand). Cytogenetic location: 1p32.2.
Variant type: single nucleotide variant.
Coding change: c.318T>G on transcript NM_001365792.1 (MANE Select); coding-DNA position 318, T replaced by G.
Protein change: p.His106Gln; replaces histidine 106 with glutamine.
Molecular consequence: missense variant.
Genome position (GRCh38, 1-based): chr1:57,072,403, A>C on the plus strand (T>G on the coding strand, the complement: DAB1 is on the minus strand). VCF-style: chr1-57072403-A-C. GRCh37 (hg19) VCF-style: chr1-57538076-A-C.
Other names: c.318T>G, p.His106Gln (NM_001353983.2, NM_001353985.2, NM_001353986.2 and 5 more transcripts); short protein forms H106Q.
Identifiers: ClinVar variation 3051613 (VCV003051613.2), dbSNP rs190682807, ClinGen allele CA876606.

ClinVar aggregate classification (germline): Likely benign (0 of 4 stars; one submission).

Conditions:
DAB1-related disorder. Also called: DAB1-related condition.

Allele frequency attached by ClinVar (database versions not stated): gnomAD exomes 0.00002; gnomAD 0.00007; ExAC 0.00008; TOPMed 0.00010; 1000 Genomes Project 0.00020; 1000 Genomes Project 30x 0.00031.
gnomAD v4.1: 98 of 1,613,338 alleles (0.0061%); highest among the groups gnomAD compares: East Asian, 0.085%; 2 homozygotes.

Submission:

PreventionGenetics, part of Exact Sciences
Classification: Likely benign for DAB1-related condition. Last evaluated: 2021-07-13. Review status: no assertion criteria provided. Collection method: clinical testing. Allele origin: germline.
Comment: This variant is classified as likely benign based on ACMG/AMP sequence variant interpretation guidelines (Richards et al. 2015 PMID: 25741868, with internal and published modifications).